The following is an entry in ClinVar:

NM_000363.5(TNNI3):c.559_560delinsAG (p.Glu187Arg)

Gene: TNNI3 (troponin I3, cardiac type; minus strand). Cytogenetic location: 19q13.42.
Variant type: Indel.
Coding change: c.559_560delinsAG on transcript NM_000363.5 (MANE Select); coding-DNA positions 559 to 560, GA replaced by AG.
Protein change: p.Glu187Arg; replaces glutamic acid 187 with arginine.
Molecular consequence: missense variant.
Genome position (GRCh38, 1-based): chr19:55,151,907-55,151,908, TC replaced by CT on the plus strand (GA replaced by AG on the coding strand, the reverse complement: TNNI3 is on the minus strand). VCF-style: chr19-55151907-TC-CT. GRCh37 (hg19) VCF-style: chr19-55663275-TC-CT.
Other names: short protein forms E187R.
Identifiers: ClinVar variation 1025681 (VCV001025681.7), dbSNP rs2085697279, ClinGen allele CA2343272657.

ClinVar aggregate classification (germline): Uncertain significance (1 of 4 stars; one submission).

Conditions:
Hypertrophic cardiomyopathy. Also called: HYPERTROPHIC MYOCARDIOPATHY. Identifiers: Orphanet 217569, MedGen C0007194, MeSH D002312, MONDO:0005045, HP:0001639.

Submission:

Labcorp Genetics (formerly Invitae), Labcorp
Classification: Uncertain significance for Hypertrophic cardiomyopathy. Last evaluated: 2020-04-01. Review status: criteria provided, single submitter. Criteria: Invitae Variant Classification Sherloc (09022015). Collection method: clinical testing. Allele origin: germline.
Comment: This variant has not been reported in the literature in individuals with TNNI3-related conditions. Algorithms developed to predict the effect of missense changes on protein structure and function are either unavailable or do not agree on the potential impact of this missense change (SIFT: "Not Available"; PolyPhen-2: "Benign"; Align-GVGD: "Not Available"). In summary, the available evidence is currently insufficient to determine the role of this variant in disease. Therefore, it has been classified as a Variant of Uncertain Significance. This variant is not present in population databases (ExAC no frequency). This sequence change replaces glutamic acid with arginine at codon 187 of the TNNI3 protein (p.Glu187Arg). The glutamic acid residue is highly conserved and there is a small physicochemical difference between glutamic acid and arginine